The following is an entry in ClinVar:

ClinVar aggregate classification (germline): Likely benign (1 of 4 stars; one submission).

Allele frequency attached by ClinVar (database versions not stated): 1000 Genomes Project 0.00180; ExAC 0.00546; gnomAD 0.00580; 1000 Genomes Project 30x 0.00203; TOPMed 0.00429; ESP Exome Variant Server 0.00592; gnomAD exomes 0.00642.
gnomAD v4.1: 10,157 of 1,601,440 alleles (0.63%); highest among the groups gnomAD compares: Non-Finnish European, 0.69%; 53 homozygotes.

Submissions (16):

CeGaT Center for Human Genetics Tuebingen
Classification: Likely benign. Last evaluated: 2023-07-01. Review status: criteria provided, single submitter. Criteria: CeGaT Center For Human Genetics Tuebingen Variant Classification Criteria Version 2. Collection method: clinical testing. Allele origin: germline. Affected: yes. Observed: 1 variant allele.
Comment: YES1: BS2

Dr. Peter K. Rogan Lab, Western University
No classification provided (evidence only). Condition: Lung cancer. Review status: no classification provided. Collection method: in vitro. Allele origin: not applicable. Functional consequence: retained intron. Not counted in ClinVar's aggregate classification.

Dr. Peter K. Rogan Lab, Western University
No classification provided (evidence only). Condition: Lung cancer. Review status: no classification provided. Collection method: in vitro. Allele origin: not applicable. Functional consequence: retained intron. Not counted in ClinVar's aggregate classification.

Dr. Peter K. Rogan Lab, Western University
No classification provided (evidence only). Condition: Cervical cancer. Review status: no classification provided. Collection method: in vitro. Allele origin: not applicable. Functional consequence: retained intron. Not counted in ClinVar's aggregate classification.

Dr. Peter K. Rogan Lab, Western University
No classification provided (evidence only). Condition: Cervical cancer. Review status: no classification provided. Collection method: in vitro. Allele origin: not applicable. Functional consequence: retained intron. Not counted in ClinVar's aggregate classification.

Dr. Peter K. Rogan Lab, Western University
No classification provided (evidence only). Condition: Ovarian serous cystadenocarcinoma. Review status: no classification provided. Collection method: in vitro. Allele origin: not applicable. Functional consequence: retained intron. Not counted in ClinVar's aggregate classification.

Dr. Peter K. Rogan Lab, Western University
No classification provided (evidence only). Condition: Ovarian serous cystadenocarcinoma. Review status: no classification provided. Collection method: in vitro. Allele origin: not applicable. Functional consequence: retained intron. Not counted in ClinVar's aggregate classification.

Dr. Peter K. Rogan Lab, Western University
No classification provided (evidence only). Condition: Ovarian serous cystadenocarcinoma. Review status: no classification provided. Collection method: in vitro. Allele origin: not applicable. Functional consequence: retained intron. Not counted in ClinVar's aggregate classification.

Dr. Peter K. Rogan Lab, Western University
No classification provided (evidence only). Condition: Ovarian serous cystadenocarcinoma. Review status: no classification provided. Collection method: in vitro. Allele origin: not applicable. Functional consequence: retained intron. Not counted in ClinVar's aggregate classification.

Dr. Peter K. Rogan Lab, Western University
No classification provided (evidence only). Condition: Ovarian serous cystadenocarcinoma. Review status: no classification provided. Collection method: in vitro. Allele origin: not applicable. Functional consequence: retained intron. Not counted in ClinVar's aggregate classification.

Dr. Peter K. Rogan Lab, Western University
No classification provided (evidence only). Condition: Gastric cancer. Review status: no classification provided. Collection method: in vitro. Allele origin: not applicable. Functional consequence: retained intron. Not counted in ClinVar's aggregate classification.

Dr. Peter K. Rogan Lab, Western University
No classification provided (evidence only). Condition: Gastric cancer. Review status: no classification provided. Collection method: in vitro. Allele origin: not applicable. Functional consequence: retained intron. Not counted in ClinVar's aggregate classification.

Dr. Peter K. Rogan Lab, Western University
No classification provided (evidence only). Condition: Gastric cancer. Review status: no classification provided. Collection method: in vitro. Allele origin: not applicable. Functional consequence: retained intron. Not counted in ClinVar's aggregate classification.

Dr. Peter K. Rogan Lab, Western University
No classification provided (evidence only). Condition: Gastric cancer. Review status: no classification provided. Collection method: in vitro. Allele origin: not applicable. Functional consequence: retained intron. Not counted in ClinVar's aggregate classification.

Dr. Peter K. Rogan Lab, Western University
No classification provided (evidence only). Condition: Gastric cancer. Review status: no classification provided. Collection method: in vitro. Allele origin: not applicable. Functional consequence: retained intron. Not counted in ClinVar's aggregate classification.

Dr. Peter K. Rogan Lab, Western University
No classification provided (evidence only). Condition: Malignant tumor of esophagus. Review status: no classification provided. Collection method: in vitro. Allele origin: not applicable. Functional consequence: retained intron. Not counted in ClinVar's aggregate classification.

NM_005433.4(YES1):c.337A>C (p.Lys113Gln)

Gene: YES1 (YES proto-oncogene 1, Src family tyrosine kinase; minus strand). Cytogenetic location: 18p11.32.
Variant type: single nucleotide variant.
Coding change: c.337A>C on transcript NM_005433.4 (MANE Select); coding-DNA position 337, A replaced by C.
Protein change: p.Lys113Gln; replaces lysine 113 with glutamine.
Molecular consequence: missense variant.
Genome position (GRCh38, 1-based): chr18:751,739, T>G on the plus strand (A>C on the coding strand, the complement: YES1 is on the minus strand). VCF-style: chr18-751739-T-G. GRCh37 (hg19) VCF-style: chr18-751739-T-G.
Other names: NC_000018.9:g.751739T>G; short protein forms K113Q.
Identifiers: ClinVar variation 2648515 (VCV002648515.25), dbSNP rs117449313, ClinGen allele CA8869065.
Genomic context (GRCh38, chr18:751,739, plus strand): 5'-TCTCACAAAATATTCATGACACTTACGTATTGTTAATTATTTGAAATCTTTCACCCTTCT[T>G]AAATGAAAGGTCTTCTGTAGTTCTAGCTTCATAATCATATAAGGCCACAAATATAGTAAC-3'
Protein context (NP_005424.1, residues 103-123): EARTTEDLSF[Lys113Gln]KGERFQIINN